The following is an entry in ClinVar:

ClinVar aggregate classification (germline): Uncertain significance (1 of 4 stars; one submission).

Conditions:
Charcot-Marie-Tooth disease type 2R. Also called: CHARCOT-MARIE-TOOTH DISEASE, AXONAL, AUTOSOMAL RECESSIVE, TYPE 2R; CHARCOT-MARIE-TOOTH NEUROPATHY, TYPE 2R; Charcot-Marie-Tooth disease, axonal, type 2R. Identifiers: Orphanet 397968, MedGen C3809655, MONDO:0014208, OMIM 615490.

gnomAD v4.1: 22 of 1,614,200 alleles (0.0014%); highest among the groups gnomAD compares: Non-Finnish European, 0.0018%; no homozygotes.

Submission:

Labcorp Genetics (formerly Invitae), Labcorp
Classification: Uncertain significance for Charcot-Marie-Tooth disease type 2R. Last evaluated: 2022-08-15. Review status: criteria provided, single submitter. Criteria: Invitae Variant Classification Sherloc (09022015). Collection method: clinical testing. Allele origin: germline.
Comment: In summary, the available evidence is currently insufficient to determine the role of this variant in disease. Therefore, it has been classified as a Variant of Uncertain Significance. Algorithms developed to predict the effect of missense changes on protein structure and function are either unavailable or do not agree on the potential impact of this missense change (SIFT: "Deleterious"; PolyPhen-2: "Benign"; Align-GVGD: "Class C0"). ClinVar contains an entry for this variant (Variation ID: 663879). This variant has not been reported in the literature in individuals affected with TRIM2-related conditions. This variant is not present in population databases (gnomAD no frequency). This sequence change replaces alanine, which is neutral and non-polar, with valine, which is neutral and non-polar, at codon 75 of the TRIM2 protein (p.Ala75Val).

NM_015271.5(TRIM2):c.305C>T (p.Ala102Val)

Gene: TRIM2 (tripartite motif containing 2; plus strand). Cytogenetic location: 4q31.3.
Variant type: single nucleotide variant.
Coding change: c.305C>T on transcript NM_015271.5 (MANE Select); coding-DNA position 305, C replaced by T.
Protein change: p.Ala102Val; replaces alanine 102 with valine.
Molecular consequence: missense variant. On other transcripts: 5 prime UTR variant (4).
Genome position (GRCh38, 1-based): chr4:153,275,982, C>T. VCF-style: chr4-153275982-C-T. GRCh37 (hg19) VCF-style: chr4-154197134-C-T.
Other names: c.224C>T, p.Ala75Val (NM_001351056.2, NM_001375512.1, NM_001375513.1 and 5 more transcripts); c.-253C>T (NM_001351057.2); c.305C>T, p.Ala102Val (NM_001375488.1, NM_001375490.1, NM_001375519.1 and 1 more transcripts); c.302C>T, p.Ala101Val (NM_001375489.1, NM_001375491.1, NM_001375520.1 and 1 more transcripts); c.-35C>T (NM_001375522.1, NM_001375523.1, NM_001375525.1); c.278C>T, p.Ala93Val (NM_001302694.2, NM_001351054.2); c.275C>T, p.Ala92Val (NM_001351055.2); short protein forms A101V, A102V, A92V, A75V, A93V.
Identifiers: ClinVar variation 663879 (VCV000663879.8), dbSNP rs1579254686, ClinGen allele CA358470029.